The following is an entry in ClinVar:

ClinVar aggregate classification (germline): Pathogenic/Likely pathogenic. Review status: criteria provided, multiple submitters, no conflicts (2 of 4 stars). 2 submissions from 2 submitters: Pathogenic (1); Likely pathogenic (1). Last evaluated 2023-07-21.

Conditions:
Hereditary spherocytosis type 2. Also called: SPHEROCYTOSIS, TYPE 2, AUTOSOMAL DOMINANT. Identifiers: Orphanet 822, MedGen C2674219, MONDO:0000913, OMIM 616649.

Submissions (2):

Mayo Clinic Laboratories, Mayo Clinic
Classification: Likely pathogenic. Last evaluated: 2023-07-21. Review status: criteria provided, single submitter. Criteria: ACMG Guidelines, 2015. Collection method: clinical testing. Allele origin: germline. Observed: 1 variant allele.
Comment: PM2_moderate, PVS1

Jiangsu Institute of Hematology, the First Affiliated Hospital of Soochow University
Classification: Pathogenic for Hereditary spherocytosis type 2. Last evaluated: 2022-03-01. Review status: criteria provided, single submitter. Criteria: ACMG Guidelines, 2015. Collection method: research. Allele origin: inherited. Affected: yes.

Literature cited by the submitters: PubMed 36203343 (cited by Mayo Clinic Laboratories, Mayo Clinic).

NM_001355436.2(SPTB):c.4417C>T (p.Gln1473Ter)

Gene: SPTB (spectrin beta, erythrocytic; minus strand). Cytogenetic location: 14q23.3.
Variant type: single nucleotide variant.
Coding change: c.4417C>T on transcript NM_001355436.2 (MANE Select); coding-DNA position 4417, C replaced by T.
Protein change: p.Gln1473Ter; replaces glutamine 1473 with a stop codon.
Molecular consequence: nonsense.
Genome position (GRCh38, 1-based): chr14:64,779,781, G>A on the plus strand (C>T on the coding strand, the complement: SPTB is on the minus strand). VCF-style: chr14-64779781-G-A. GRCh37 (hg19) VCF-style: chr14-65246499-G-A.
Other names: p.Gln1473*; c.4417C>T, p.Gln1473Ter (NM_001024858.4, NM_001355437.2); short protein forms Q1473*.
Identifiers: ClinVar variation 1676983 (VCV001676983.2), dbSNP rs2503090652, ClinGen allele CA390044322.